The following is an entry in ClinVar:

ClinVar aggregate classification (germline): Uncertain significance. Review status: criteria provided, multiple submitters, no conflicts (2 of 4 stars). 2 submissions from 2 submitters: Uncertain significance (2). Last evaluated 2025-11-08.

Allele frequency attached by ClinVar (database versions not stated): gnomAD 0.00001; gnomAD exomes 0.00001 and 0.00002; TOPMed 0.00003.
gnomAD v4.1: 24 of 1,613,236 alleles (0.0015%); highest among the groups gnomAD compares: Middle Eastern, 0.016%; no homozygotes.

Submissions (2):

Ambry Genetics
Classification: Uncertain significance. Last evaluated: 2025-11-08. Review status: criteria provided, single submitter. Criteria: Ambry Variant Classification Scheme 2023. Collection method: clinical testing. Allele origin: germline.

Labcorp Genetics (formerly Invitae), Labcorp
Classification: Uncertain significance. Last evaluated: 2024-12-03. Review status: criteria provided, single submitter. Criteria: Invitae Variant Classification Sherloc (09022015). Collection method: clinical testing. Allele origin: germline.
Comment: This sequence change replaces asparagine, which is neutral and polar, with serine, which is neutral and polar, at codon 3039 of the HMCN1 protein (p.Asn3039Ser). This variant is present in population databases (no rsID available, gnomAD 0.004%). This variant has not been reported in the literature in individuals affected with HMCN1-related conditions. ClinVar contains an entry for this variant (Variation ID: 1440566). An algorithm developed to predict the effect of missense changes on protein structure and function outputs the following: PolyPhen-2: "Benign". The serine amino acid residue is found in multiple mammalian species, which suggests that this missense change does not adversely affect protein function. In summary, the available evidence is currently insufficient to determine the role of this variant in disease. Therefore, it has been classified as a Variant of Uncertain Significance.

NM_031935.3(HMCN1):c.9116A>G (p.Asn3039Ser)

Gene: HMCN1 (hemicentin 1; plus strand). Cytogenetic location: 1q31.1.
Variant type: single nucleotide variant.
Coding change: c.9116A>G on transcript NM_031935.3 (MANE Select); coding-DNA position 9116, A replaced by G.
Protein change: p.Asn3039Ser; replaces asparagine 3039 with serine.
Molecular consequence: missense variant.
Genome position (GRCh38, 1-based): chr1:186,087,286, A>G. VCF-style: chr1-186087286-A-G. GRCh37 (hg19) VCF-style: chr1-186056418-A-G.
Other names: c.9116A>G (NM_031935.2); short protein forms N3039S.
Identifiers: ClinVar variation 1440566 (VCV001440566.7), dbSNP rs1030947907, ClinGen allele CA33477568.